The following is an entry in ClinVar:

ClinVar aggregate classification (germline): Likely pathogenic (1 of 4 stars; one submission).

Conditions:
Noonan syndrome 3 (NS3). Also called: KRAS-Related Noonan Syndrome. Identifiers: Orphanet 648, MedGen C1860991, MONDO:0012371, OMIM 609942.

Submission:

Women's Health and Genetics/Laboratory Corporation of America, LabCorp
Classification: Likely pathogenic for Noonan syndrome 3. Last evaluated: 2017-05-22. Review status: criteria provided, single submitter. Criteria: LabCorp Variant Classification Summary - May 2015. Collection method: clinical testing. Allele origin: germline.
Comment: Variant summary: The HRAS c.183G>T (p.Gln61His) variant causes a missense change involving the alteration of a non-conserved nucleotide. 2/4 in silico tools predict a benign outcome for this variant (SNPsandGO not captured due to low reliability index). The variant alters a GEF interaction site of conserved H_Ras_like domain and was shown to have a reduced hydrolyzed GTPase activity resulting in a constitutively active protein (Bollag, 1991; Der 1986). The variant of interest is absent from broad control datasets of ExAC or gnomAD (~100996 and 276982 chrs tested, respectively). The variant has not, to our knowledge, been reported as germline mutation in individuals diagnosed with Costello (CS) or Noonan Spectrum Related Disorders (NSRD) via publications and/or reputable databases/clinical diagnostic laboratories. Oncogenic Ras codons 12, 13 and 61 are well known as the primary sites where activating somatic mutations result in a constitutively active protein characterized by a reduced GAP action and/or intrinsic GTPase activity. The p.Gln61His is vastly reported in the literature as a somatic variant, identified in melanoma, metaplastic breast carcinoma, lung cancer, head and neck cancer, and other types of tumors. Considering all evidence and ACMG guidelines, the variant of interest is classified as Likely Pathogenic.

Literature cited by the submitters: PubMed 1904555; PubMed 3510078.

NM_005343.4(HRAS):c.183G>T (p.Gln61His)

Genes: HRAS (HRas proto-oncogene, GTPase; minus strand), LRRC56 (leucine rich repeat containing 56; plus strand). Cytogenetic location: 11p15.5.
Variant type: single nucleotide variant.
Coding change: c.183G>T on transcript NM_005343.4 (MANE Select); coding-DNA position 183, G replaced by T.
Protein change: p.Gln61His; replaces glutamine 61 with histidine.
Molecular consequence: missense variant. On other transcripts: 5 prime UTR variant (1).
Genome position (GRCh38, 1-based): chr11:533,873, C>A on the plus strand (G>T on the coding strand, the complement: HRAS is on the minus strand). VCF-style: chr11-533873-C-A. GRCh37 (hg19) VCF-style: chr11-533873-C-A.
Other names: c.183G>T, p.Gln61His (NM_001130442.3, NM_176795.5); c.-137G>T (NM_001318054.2); short protein forms Q61H.
Identifiers: ClinVar variation 376318 (VCV000376318.1), dbSNP rs121913496, ClinGen allele CA16602764.